The following is an entry in ClinVar:

NM_017617.5(NOTCH1):c.6026G>A (p.Gly2009Asp)

Genes: NOTCH1 (notch receptor 1; minus strand), LOC126860794 (BRD4-independent group 4 enhancer GRCh37_chr9:139392592-139393791; plus strand). Cytogenetic location: 9q34.3.
Variant type: single nucleotide variant.
Coding change: c.6026G>A on transcript NM_017617.5 (MANE Select); coding-DNA position 6026, G replaced by A.
Protein change: p.Gly2009Asp; replaces glycine 2009 with aspartic acid.
Molecular consequence: missense variant.
Genome position (GRCh38, 1-based): chr9:136,499,168, C>T on the plus strand (G>A on the coding strand, the complement: NOTCH1 is on the minus strand). VCF-style: chr9-136499168-C-T. GRCh37 (hg19) VCF-style: chr9-139393620-C-T.
Other names: short protein forms G2009D.
Identifiers: ClinVar variation 2724797 (VCV002724797.4), dbSNP rs1842960290, ClinGen allele CA375634459.

ClinVar aggregate classification (germline): Uncertain significance. Review status: criteria provided, multiple submitters, no conflicts (2 of 4 stars). 2 submissions from 2 submitters: Uncertain significance (2). Last evaluated 2024-10-30.

Conditions:
Adams-Oliver syndrome 5 (AOS5). Identifiers: Orphanet 974, MedGen C4014970, MONDO:0014459, OMIM 616028.

Allele frequency attached by ClinVar (database versions not stated): gnomAD exomes below 0.00001.
gnomAD v4.1: 1 of 1,613,326 alleles (0.000062%); highest among the groups gnomAD compares: Admixed American, 0.0017%; no homozygotes.

Submissions (2):

Women's Health and Genetics/Laboratory Corporation of America, LabCorp
Classification: Uncertain significance. Last evaluated: 2024-10-30. Review status: criteria provided, single submitter. Criteria: LabCorp Variant Classification Summary - May 2015. Collection method: clinical testing. Allele origin: germline.
Comment: Variant summary: NOTCH1 c.6026G>A (p.Gly2009Asp) results in a non-conservative amino acid change in the encoded protein sequence. Four of five in-silico tools predict a damaging effect of the variant on protein function. The frequency data for this variant in gnomAD is considered unreliable, as metrics indicate poor data quality at this position. To our knowledge, no occurrence of c.6026G>A in individuals affected with Adams-Oliver Syndrome 5 and no experimental evidence demonstrating its impact on protein function have been reported. ClinVar contains an entry for this variant (Variation ID: 2724797). Based on the evidence outlined above, the variant was classified as uncertain significance.

Labcorp Genetics (formerly Invitae), Labcorp
Classification: Uncertain significance for Adams-Oliver syndrome 5. Last evaluated: 2023-06-09. Review status: criteria provided, single submitter. Criteria: Invitae Variant Classification Sherloc (09022015). Collection method: clinical testing. Allele origin: germline.
Comment: This sequence change replaces glycine, which is neutral and non-polar, with aspartic acid, which is acidic and polar, at codon 2009 of the NOTCH1 protein (p.Gly2009Asp). In summary, the available evidence is currently insufficient to determine the role of this variant in disease. Therefore, it has been classified as a Variant of Uncertain Significance. Advanced modeling of protein sequence and biophysical properties (such as structural, functional, and spatial information, amino acid conservation, physicochemical variation, residue mobility, and thermodynamic stability) performed at Invitae indicates that this missense variant is not expected to disrupt NOTCH1 protein function. This variant has not been reported in the literature in individuals affected with NOTCH1-related conditions. This variant is not present in population databases (gnomAD no frequency).